The following is an entry in ClinVar:

NM_000135.4(FANCA):c.854T>G (p.Val285Gly)

Gene: FANCA (FA complementation group A; minus strand). Cytogenetic location: 16q24.3.
Variant type: single nucleotide variant.
Coding change: c.854T>G on transcript NM_000135.4 (MANE Select); coding-DNA position 854, T replaced by G.
Protein change: p.Val285Gly; replaces valine 285 with glycine.
Molecular consequence: missense variant.
Genome position (GRCh38, 1-based): chr16:89,799,205, A>C on the plus strand (T>G on the coding strand, the complement: FANCA is on the minus strand). VCF-style: chr16-89799205-A-C. GRCh37 (hg19) VCF-style: chr16-89865613-A-C.
Other names: c.854T>G, p.Val285Gly (NM_001018112.3, NM_001286167.3); c.758T>G, p.Val253Gly (NM_001351830.2); short protein forms V253G, V285G.
Identifiers: ClinVar variation 5036425 (VCV005036425.1).

ClinVar aggregate classification (germline): Uncertain significance (1 of 4 stars; one submission).

Conditions:
Inborn genetic diseases. Identifiers: MedGen C0950123, MeSH D030342.

Submission:

Ambry Genetics
Classification: Uncertain significance for Inborn genetic diseases. Last evaluated: 2026-08-20. Review status: criteria provided, single submitter. Criteria: Ambry Variant Classification Scheme 2023. Collection method: clinical testing. Allele origin: germline.
Comment: The p.V285G variant (also known as c.854T>G), located in coding exon 10 of the FANCA gene, results from a T to G substitution at nucleotide position 854. The valine at codon 285 is replaced by glycine, an amino acid with dissimilar properties. This amino acid position is conserved. In addition, this alteration is predicted to be tolerated by in silico analysis. Based on the available evidence, the clinical significance of this variant remains unclear.